The following is an entry in ClinVar:

NM_000548.5(TSC2):c.4316G>A (p.Gly1439Asp)

Gene: TSC2 (TSC complex subunit 2; plus strand). Cytogenetic location: 16p13.3.
Variant type: single nucleotide variant.
Coding change: c.4316G>A on transcript NM_000548.5 (MANE Select); coding-DNA position 4316, G replaced by A.
Protein change: p.Gly1439Asp; replaces glycine 1439 with aspartic acid.
Molecular consequence: missense variant.
Genome position (GRCh38, 1-based): chr16:2,084,538, G>A. VCF-style: chr16-2084538-G-A. GRCh37 (hg19) VCF-style: chr16-2134539-G-A.
Other names: p.G1439D:GGC>GAC; c.4007G>A, p.Gly1336Asp (NM_001318827.2); c.3971G>A, p.Gly1324Asp (NM_001318829.2); c.3584G>A, p.Gly1195Asp (NM_001318831.2); c.4148G>A, p.Gly1383Asp (NM_001318832.2); c.4118G>A, p.Gly1373Asp (NM_001363528.2); c.4184G>A, p.Gly1395Asp (NM_001370404.1); c.4187G>A, p.Gly1396Asp (NM_001370405.1, NM_021055.3); and 3 more; short protein forms G1439D, G1383D, G1416D, G1195D, G1395D, G1396D, G1324D, G1336D.
Identifiers: ClinVar variation 65126 (VCV000065126.38), dbSNP rs150397923, ClinGen allele CA020266.

ClinVar aggregate classification (germline): Benign/Likely benign. Review status: criteria provided, multiple submitters, no conflicts (2 of 4 stars). 19 submissions from 19 submitters: Benign (14); Likely benign (3). 2 of the submissions do not count toward it. Last evaluated 2026-02-04.

Conditions:
Hereditary cancer-predisposing syndrome. Also called: Neoplastic Syndromes, Hereditary; Tumor predisposition; Hereditary Cancer Syndrome; Hereditary neoplastic syndrome. Identifiers: Orphanet 140162, MedGen C0027672, MeSH D009386, MONDO:0015356.
Tuberous sclerosis syndrome (TSC). Also called: Tuberous Sclerosis Complex; Tuberous sclerosis. Identifiers: Orphanet 805, MedGen C0041341, MONDO:0001734.
Tuberous sclerosis 2 (TSC2). Identifiers: Orphanet 805, MedGen C1860707, MONDO:0013199, OMIM 613254.

Allele frequency attached by ClinVar (database versions not stated): gnomAD exomes 0.00046 and 0.00116; ExAC 0.00156; gnomAD 0.00434 and 0.00468; ESP Exome Variant Server 0.00441; 1000 Genomes Project 0.00539; 1000 Genomes Project 30x 0.00547; TOPMed 0.00484.
gnomAD v4.1: 1,342 of 1,609,116 alleles (0.083%); highest among the groups gnomAD compares: African/African-American, 1.6%; 15 homozygotes.

Submissions (19):

Labcorp Genetics (formerly Invitae), Labcorp
Classification: Benign for Tuberous sclerosis 2. Last evaluated: 2026-02-04. Review status: criteria provided, single submitter. Criteria: Invitae Variant Classification Sherloc (09022015). Collection method: clinical testing. Allele origin: germline.

Mayo Clinic Laboratories, Mayo Clinic
Classification: Likely benign. Last evaluated: 2025-08-14. Review status: criteria provided, single submitter. Criteria: ACMG Guidelines, 2015. Collection method: clinical testing. Allele origin: germline. Observed: 8 variant alleles.
Comment: BS1, BP6

Myriad Genetics, Inc.
Classification: Benign for Tuberous sclerosis 2. Last evaluated: 2025-06-03. Review status: criteria provided, single submitter. Criteria: Myriad Autosomal Dominant, Autosomal Recessive and X-Linked Classification Criteria (2023). Collection method: clinical testing. Allele origin: unknown.
Comment: This variant is considered benign. This variant has been observed at a population frequency that is significantly greater than expected given the associated disease prevalence and penetrance. Homozygosity has been confirmed in one or more individuals. As homozygosity for pathogenic variants in this gene is generally assumed to result in embryonic lethality, this variant is unlikely to be pathogenic.

KCCC/NGS Laboratory, Kuwait Cancer Control Center
Classification: Benign for Tuberous sclerosis 2. Last evaluated: 2025-02-01. Review status: criteria provided, single submitter. Criteria: ACMG Guidelines, 2015. Collection method: clinical testing. Allele origin: germline. Affected: no.

Athena Diagnostics
Classification: Benign. Last evaluated: 2024-10-15. Review status: criteria provided, single submitter. Criteria: Athena Diagnostics Criteria. Collection method: clinical testing. Allele origin: unknown.

Blueprint Genetics
Classification: Benign. Last evaluated: 2024-10-08. Review status: criteria provided, single submitter. Criteria: ACMG Guidelines, 2015. Collection method: clinical testing. Allele origin: germline.

All of Us Research Program, National Institutes of Health
Classification: Benign for Tuberous sclerosis syndrome. Last evaluated: 2024-10-01. Review status: criteria provided, single submitter. Criteria: ACMG Guidelines, 2015. Collection method: clinical testing. Allele origin: germline. Inheritance: Autosomal dominant inheritance. Observed: 372 variant alleles, 369 heterozygotes, 2 homozygotes, 1 hemizygote.
Comment: This study involves interpretation of variants in research participants for the purpose of population health screening. Participant phenotype was not available at the time of variant classification. Additional details can be found in publication PMID: 35346344, PMCID: PMC8962531

ARUP Laboratories, Molecular Genetics and Genomics, ARUP Laboratories
Classification: Benign. Last evaluated: 2024-06-06. Review status: criteria provided, single submitter. Criteria: ARUP Molecular Germline Variant Investigation Process 2024. Collection method: clinical testing. Allele origin: germline.

Color Diagnostics, LLC DBA Color Health
Classification: Benign for Tuberous sclerosis syndrome. Last evaluated: 2022-08-31. Review status: criteria provided, single submitter. Criteria: ACMG Guidelines, 2015. Collection method: clinical testing. Allele origin: germline.

Genome-Nilou Lab
Classification: Benign for Tuberous sclerosis 2. Last evaluated: 2021-11-07. Review status: criteria provided, single submitter. Criteria: ACMG Guidelines, 2015. Collection method: clinical testing. Allele origin: germline. Affected: no.

Genetic Services Laboratory, University of Chicago
Classification: Benign. Last evaluated: 2021-07-27. Review status: criteria provided, single submitter. Criteria: ACMG Guidelines, 2015. Collection method: clinical testing. Allele origin: germline. Affected: no.

Illumina Laboratory Services, Illumina
Classification: Likely benign for Tuberous sclerosis syndrome. Last evaluated: 2018-03-12. Review status: criteria provided, single submitter. Criteria: ICSL Variant Classification Criteria 13 December 2019. Collection method: clinical testing. Allele origin: germline.
Comment: This variant was observed as part of a predisposition screen in an ostensibly healthy population. A literature search was performed for the gene, cDNA change, and amino acid change (where applicable). No publications were found based on this search. Allele frequency data from public databases allowed determination this variant is unlikely to cause disease. Therefore, this variant is classified as likely benign.

Eurofins Ntd Llc (ga)
Classification: Benign. Last evaluated: 2015-11-11. Review status: criteria provided, single submitter. Criteria: EGL Classification Definitions 2015. Collection method: clinical testing. Allele origin: germline. Observed: 1 variant allele, 1 heterozygote.

Center for Pediatric Genomic Medicine, Children's Mercy Hospital and Clinics
Classification: Likely benign. Last evaluated: 2015-08-19. Review status: criteria provided, single submitter. Criteria: ACMG Guidelines, 2015. Collection method: clinical testing. Allele origin: germline.
ClinVar note: Converted during submission from Likely Benign to Likely benign.

Ambry Genetics
Classification: Benign for Hereditary cancer-predisposing syndrome. Last evaluated: 2014-12-09. Review status: criteria provided, single submitter. Criteria: Ambry Variant Classification Scheme 2023. Collection method: clinical testing. Allele origin: germline.

GeneDx
Classification: Benign. Last evaluated: 2014-02-12. Review status: criteria provided, single submitter. Criteria: GeneDx Variant Classification (06012015). Collection method: clinical testing. Allele origin: germline. Affected: yes.
Comment: This variant is considered likely benign or benign based on one or more of the following criteria: it is a conservative change, it occurs at a poorly conserved position in the protein, it is predicted to be benign by multiple in silico algorithms, and/or has population frequency not consistent with disease.

PreventionGenetics, part of Exact Sciences
Classification: Benign. Review status: criteria provided, single submitter. Criteria: ACMG Guidelines, 2015. Collection method: clinical testing. Allele origin: germline.

ITMI
No classification provided. Condition: AllHighlyPenetrant. Last evaluated: 2013-09-19. Review status: no classification provided. Collection method: reference population. Allele origin: germline. Not counted in ClinVar's aggregate classification.
Comment: Please see associated publication for description of ethnicities

Tuberous sclerosis database (TSC2)
No classification provided. Condition: TSC. Review status: no classification provided. Criteria: Tuberous Sclerosis Database Assertion Criteria 2015. Collection method: curation. Allele origin: germline. Affected: yes. Not counted in ClinVar's aggregate classification.

Literature cited by the submitters: PubMed 24728327 (cited by Athena Diagnostics and ITMI); PubMed 23514105 (cited by Athena Diagnostics); PubMed 29975249 (cited by Athena Diagnostics); PubMed 18854862 (cited by Athena Diagnostics); PubMed 21309039 (cited by Athena Diagnostics).